The following is an entry in ClinVar:

NM_000512.5(GALNS):c.1482+1G>A

Genes: GALNS (galactosamine (N-acetyl)-6-sulfatase; minus strand), LOC126862447 (CDK7 strongly-dependent group 2 enhancer GRCh37_chr16:88884193-88885392; plus strand). Cytogenetic location: 16q24.3.
Variant type: single nucleotide variant.
Coding change: c.1482+1G>A on transcript NM_000512.5 (MANE Select); the canonical splice donor site of the intron after coding-DNA position 1482, G replaced by A.
Molecular consequence: splice donor variant.
Genome position (GRCh38, 1-based): chr16:88,818,006, C>T on the plus strand (G>A on the coding strand, the complement: GALNS is on the minus strand). VCF-style: chr16-88818006-C-T. GRCh37 (hg19) VCF-style: chr16-88884414-C-T.
Other names: c.927+1G>A (NM_001323543.2); c.1500+1G>A (NM_001323544.2).
Identifiers: ClinVar variation 1048332 (VCV001048332.3), dbSNP rs2142982054, ClinGen allele CA397094031.
Genomic context (GRCh38, chr16:88,818,006, plus strand): 5'-GCCCCGGGTGGGTGGCTGCAGCCCCGGCAAAGAGACGGCCGCCCACACACCAGCCACTTA[C>T]CATGACCGCCCAGTTGCACACGTTGAGCTGGGGCTGCGCGGGGACCAAGGCCTCCTGGTG-3'

ClinVar aggregate classification (germline): Uncertain significance (1 of 4 stars; one submission).

Conditions:
Mucopolysaccharidosis, MPS-IV-A (MPS4A). Also called: Mucopolysaccharidosis type IV A; Mucopolysaccharidosis Type IVA; Morquio syndrome A, mild; MORQUIO SYNDROME A; MPS IVA; mucopolysaccharidosis type 4A. Identifiers: Orphanet 309297, Orphanet 582, MedGen C0086651, MONDO:0009659, OMIM 253000.

Allele frequency attached by ClinVar (database versions not stated): gnomAD exomes below 0.00001.
gnomAD v4.1: 1 of 1,579,594 alleles (0.000063%); highest among the groups gnomAD compares: African/African-American, 0.0013%; no homozygotes.

Submission:

Laboratory of Diagnosis and Therapy of Lysosomal Disorders, University of Padova
Classification: Uncertain significance for Mucopolysaccharidosis, MPS-IV-A. Last evaluated: 2021-02-01. Review status: criteria provided, single submitter. Criteria: ACMG Guidelines, 2015. Collection method: curation. Allele origin: germline. Affected: yes.
Comment: Splicing site in canonical site (PVS1_moderate); in vivo functional studies supportive of a damaging effect on the gene product (low to null enzymatic activity in homozygotes; PS3_supporting); absent from gnomAD v2.1.1 (PM2_moderate)

Literature cited by the submitters: PubMed 26147980; PubMed 34387910.